The following is an entry in ClinVar:

NM_001849.4(COL6A2):c.287A>G (p.Tyr96Cys)

Gene: COL6A2 (collagen type VI alpha 2 chain; plus strand). Cytogenetic location: 21q22.3.
Variant type: single nucleotide variant.
Coding change: c.287A>G on transcript NM_001849.4 (MANE Select); coding-DNA position 287, A replaced by G.
Protein change: p.Tyr96Cys; replaces tyrosine 96 with cysteine.
Molecular consequence: missense variant.
Genome position (GRCh38, 1-based): chr21:46,112,150, A>G. VCF-style: chr21-46112150-A-G. GRCh37 (hg19) VCF-style: chr21-47532064-A-G.
Other names: c.287A>G, p.Tyr96Cys (NM_058174.3, NM_058175.3); short protein forms Y96C.
Identifiers: ClinVar variation 1299538 (VCV001299538.4), dbSNP rs2078408746, ClinGen allele CA410520570.

ClinVar aggregate classification (germline): Conflicting classifications of pathogenicity. Review status: criteria provided, conflicting classifications (1 of 4 stars). 2 submissions from 2 submitters: Likely pathogenic (1); Uncertain significance (1). Last evaluated 2024-10-17.

Conditions:
Bethlem myopathy 1A. Also called: Bethlem myopathy 1; MYOPATHY, BENIGN CONGENITAL, WITH CONTRACTURES; Bethlem Muscular Dystrophy. Identifiers: Orphanet 610, MedGen CN029274, MONDO:0024530, OMIM 158810.

Allele frequency attached by ClinVar (database versions not stated): gnomAD 0.00001.

Submissions (2):

Labcorp Genetics (formerly Invitae), Labcorp
Classification: Uncertain significance for Bethlem myopathy 1A. Last evaluated: 2024-10-17. Review status: criteria provided, single submitter. Criteria: Invitae Variant Classification Sherloc (09022015). Collection method: clinical testing. Allele origin: germline.
Comment: This sequence change replaces tyrosine, which is neutral and polar, with cysteine, which is neutral and slightly polar, at codon 96 of the COL6A2 protein (p.Tyr96Cys). This variant is not present in population databases (gnomAD no frequency). This variant has not been reported in the literature in individuals affected with COL6A2-related conditions. ClinVar contains an entry for this variant (Variation ID: 1299538). Invitae Evidence Modeling of protein sequence and biophysical properties (such as structural, functional, and spatial information, amino acid conservation, physicochemical variation, residue mobility, and thermodynamic stability) has been performed for this missense variant. However, the output from this modeling did not meet the statistical confidence thresholds required to predict the impact of this variant on COL6A2 protein function. In summary, the available evidence is currently insufficient to determine the role of this variant in disease. Therefore, it has been classified as a Variant of Uncertain Significance.

Laboratory of Medical Genetics, National & Kapodistrian University of Athens
Classification: Likely pathogenic for Bethlem myopathy 1A. Last evaluated: 2021-08-10. Review status: criteria provided, single submitter. Criteria: ACMG Guidelines, 2015. Collection method: clinical testing. Allele origin: unknown. Affected: yes.
Comment: PM2, PM3, PP2, PP3